The following is an entry in ClinVar:

NM_000321.3(RB1):c.937G>T (p.Glu313Ter)

Gene: RB1 (RB transcriptional corepressor 1; plus strand). Cytogenetic location: 13q14.2.
Variant type: single nucleotide variant.
Coding change: c.937G>T on transcript NM_000321.3 (MANE Select); coding-DNA position 937, G replaced by T.
Protein change: p.Glu313Ter; replaces glutamic acid 313 with a stop codon.
Molecular consequence: nonsense.
Genome position (GRCh38, 1-based): chr13:48,364,969, G>T. VCF-style: chr13-48364969-G-T. GRCh37 (hg19) VCF-style: chr13-48939105-G-T.
Other names: L11910:g.61805G>T; short protein forms E313*.
Identifiers: ClinVar variation 126823 (VCV000126823.2), dbSNP rs587778843, ClinGen allele CA026469.

ClinVar aggregate classification (germline): Pathogenic (1 of 4 stars; one submission).

Conditions:
Retinoblastoma (RB1). Also called: RETINOBLASTOMA, SOMATIC. Identifiers: Orphanet 790, MedGen C0035335, MeSH D012175, MONDO:0008380, OMIM 180200, HP:0009919. Disease mechanism: loss of function. Inheritance: Both sporadic and heritable forms are tested..

Submission:

Genetic Diagnostic Laboratory, University of Pennsylvania School of Medicine
Classification: Pathogenic for Retinoblastoma. Last evaluated: 2024-05-20. Review status: criteria provided, single submitter. Criteria: ACMG Guidelines, 2015. Collection method: clinical testing. Allele origin: germline. Affected: yes. Observed: 1 variant allele.
Comment: Case and Pedigree Information: BILATERAL CASES:0, UNILATERAL CASES:1, TOTAL CASES:1, PEDIGREES:1. ACMG Codes Applied:PVS1, PM2